The following is an entry in ClinVar:

NM_000383.4(AIRE):c.1052G>A (p.Arg351Gln)

Gene: AIRE (autoimmune regulator; plus strand). Cytogenetic location: 21q22.3.
Variant type: single nucleotide variant.
Coding change: c.1052G>A on transcript NM_000383.4 (MANE Select); coding-DNA position 1052, G replaced by A.
Protein change: p.Arg351Gln; replaces arginine 351 with glutamine.
Molecular consequence: missense variant.
Genome position (GRCh38, 1-based): chr21:44,292,358, G>A. VCF-style: chr21-44292358-G-A. GRCh37 (hg19) VCF-style: chr21-45712241-G-A.
Other names: short protein forms R351Q.
Identifiers: ClinVar variation 2065116 (VCV002065116.3), dbSNP rs143146599, ClinGen allele CA10051906.

ClinVar aggregate classification (germline): Uncertain significance. Review status: criteria provided, multiple submitters, no conflicts (2 of 4 stars). 2 submissions from 2 submitters: Uncertain significance (2). Last evaluated 2025-01-19.

Conditions:
Polyglandular autoimmune syndrome, type 1 (APS1). Also called: Autoimmune polyendocrinopathy syndrome , type I, with or without reversible metaphyseal dysplasia; Autoimmune polyendocrine syndrome type 1; HYPOADRENOCORTICISM WITH HYPOPARATHYROIDISM AND SUPERFICIAL MONILIASIS; Autoimmune polyendocrinopathy syndrome, type I; AUTOIMMUNE POLYENDOCRINE SYNDROME, TYPE I, WITH OR WITHOUT REVERSIBLE METAPHYSEAL DYSPLASIA; APS I. Identifiers: Orphanet 3453, MedGen C0085859, MONDO:0009411, OMIM 240300.

Allele frequency attached by ClinVar (database versions not stated): ExAC 0.00004; gnomAD 0.00005; gnomAD exomes 0.00005; TOPMed 0.00006; ESP Exome Variant Server 0.00016.
gnomAD v4.1: 79 of 1,570,990 alleles (0.005%); highest among the groups gnomAD compares: Middle Eastern, 0.017%; no homozygotes.

Submissions (2):

Labcorp Genetics (formerly Invitae), Labcorp
Classification: Uncertain significance for Polyglandular autoimmune syndrome, type 1. Last evaluated: 2025-01-19. Review status: criteria provided, single submitter. Criteria: Invitae Variant Classification Sherloc (09022015). Collection method: clinical testing. Allele origin: germline.
Comment: This sequence change replaces arginine, which is basic and polar, with glutamine, which is neutral and polar, at codon 351 of the AIRE protein (p.Arg351Gln). The frequency data for this variant in the population databases is considered unreliable, as metrics indicate poor data quality at this position in the gnomAD database. This variant has not been reported in the literature in individuals affected with AIRE-related conditions. ClinVar contains an entry for this variant (Variation ID: 2065116). Invitae Evidence Modeling of protein sequence and biophysical properties (such as structural, functional, and spatial information, amino acid conservation, physicochemical variation, residue mobility, and thermodynamic stability) indicates that this missense variant is not expected to disrupt AIRE protein function with a negative predictive value of 95%. In summary, the available evidence is currently insufficient to determine the role of this variant in disease. Therefore, it has been classified as a Variant of Uncertain Significance.

GeneDx
Classification: Uncertain significance. Last evaluated: 2024-04-04. Review status: criteria provided, single submitter. Criteria: GeneDx Variant Classification Process June 2021. Collection method: clinical testing. Allele origin: germline. Affected: yes.
Comment: In silico analysis indicates that this missense variant does not alter protein structure/function; Has not been previously published as pathogenic or benign to our knowledge